The following is an entry in ClinVar:

NM_001458.5(FLNC):c.4457G>C (p.Gly1486Ala)

Gene: FLNC (filamin C; plus strand). Cytogenetic location: 7q32.1.
Variant type: single nucleotide variant.
Coding change: c.4457G>C on transcript NM_001458.5 (MANE Select); coding-DNA position 4457, G replaced by C.
Protein change: p.Gly1486Ala; replaces glycine 1486 with alanine.
Molecular consequence: missense variant.
Genome position (GRCh38, 1-based): chr7:128,847,945, G>C. VCF-style: chr7-128847945-G-C. GRCh37 (hg19) VCF-style: chr7-128487999-G-C.
Other names: p.Gly1486Ala; c.4457G>C, p.Gly1486Ala (NM_001127487.2); short protein forms G1486A.
Identifiers: ClinVar variation 2450894 (VCV002450894.3), dbSNP rs767473791, ClinGen allele CA369201762.

ClinVar aggregate classification (germline): Uncertain significance. Review status: criteria provided, multiple submitters, no conflicts (2 of 4 stars). 2 submissions from 2 submitters: Uncertain significance (2). Last evaluated 2025-09-04.

Conditions:
Cardiovascular phenotype. Identifiers: MedGen CN230736.

gnomAD v4.1: 1 of 1,613,600 alleles (0.000062%); highest among the groups gnomAD compares: East Asian, 0.0022%; no homozygotes.

Submissions (2):

Mayo Clinic Laboratories, Mayo Clinic
Classification: Uncertain significance. Last evaluated: 2025-09-04. Review status: criteria provided, single submitter. Criteria: ACMG Guidelines, 2015. Collection method: clinical testing. Allele origin: germline. Observed: 1 variant allele.
Comment: PP3_moderate, PM2_supporting

Ambry Genetics
Classification: Uncertain significance for Cardiovascular phenotype. Last evaluated: 2023-01-23. Review status: criteria provided, single submitter. Criteria: Ambry Variant Classification Scheme 2023. Collection method: clinical testing. Allele origin: germline.
Comment: The p.G1486A variant (also known as c.4457G>C) is located in coding exon 26 of the FLNC gene. The glycine at codon 1486 is replaced by alanine, an amino acid with similar properties. This change occurs in the first base pair of coding exon 26. This amino acid position is highly conserved in available vertebrate species. In addition, this alteration is predicted to be deleterious by in silico analysis. Since supporting evidence is limited at this time, the clinical significance of this alteration remains unclear.